The following is an entry in ClinVar:

NM_001127649.3(PEX26):c.496C>T (p.Arg166Trp)

Gene: PEX26 (peroxisomal biogenesis factor 26; plus strand). Cytogenetic location: 22q11.21.
Variant type: single nucleotide variant.
Coding change: c.496C>T on transcript NM_001127649.3 (MANE Select); coding-DNA position 496, C replaced by T.
Protein change: p.Arg166Trp; replaces arginine 166 with tryptophan.
Molecular consequence: missense variant.
Genome position (GRCh38, 1-based): chr22:18,083,561, C>T. VCF-style: chr22-18083561-C-T. GRCh37 (hg19) VCF-style: chr22-18566327-C-T.
Other names: c.496C>T, p.Arg166Trp (NM_001199319.2, NM_017929.6); short protein forms R166W.
Identifiers: ClinVar variation 501434 (VCV000501434.11), dbSNP rs369695924, ClinGen allele CA10093337.
Genomic context (GRCh38, chr22:18,083,561, plus strand): 5'-CAAGACCCAGCCAATCAAAACCTTCCAGAATATGGAGCCTTGGCAGAATTTCACGTGCAG[C>T]GGGTGCTGCTGCCTCTGGGCTGCTTATCGGAGGCTGAGGAGCTAGTGGTGGGCTCTGCAG-3'
Protein context (NP_001121121.1, residues 156-176): YGALAEFHVQ[Arg166Trp]VLLPLGCLSE

ClinVar aggregate classification (germline): Uncertain significance. Review status: criteria provided, multiple submitters, no conflicts (2 of 4 stars). 4 submissions from 4 submitters: Uncertain significance (4). Last evaluated 2026-05-13.

Conditions:
Peroxisome biogenesis disorder 7A (Zellweger). Also called: Peroxisome biogenesis disorder 7A. Identifiers: Orphanet 912, MedGen C3888385, MONDO:0013938, OMIM 614872.
Peroxisome biogenesis disorder 7B (PBD7B). Identifiers: Orphanet 44, MedGen C3553951, MONDO:0013939, OMIM 614873.
PEX26-related disorder. Also called: PEX26-related condition.

Allele frequency attached by ClinVar (database versions not stated): gnomAD 0.00005 and 0.00006; ExAC 0.00008; TOPMed 0.00008; gnomAD exomes 0.00009 and 0.00010; ESP Exome Variant Server 0.00015.

Submissions (4):

PreventionGenetics, part of Exact Sciences
Classification: Uncertain significance for PEX26-related condition. Last evaluated: 2026-05-13. Review status: criteria provided, single submitter. Criteria: ACMG Guidelines, 2015. Collection method: clinical testing. Allele origin: germline.
Comment: The PEX26 c.496C>T variant is predicted to result in the amino acid substitution p.Arg166Trp. To our knowledge, this variant has not been reported in the literature. This variant is reported in 0.014% of alleles in individuals of Latino descent in gnomAD. At this time, the clinical significance of this variant is uncertain due to the absence of conclusive functional and genetic evidence.

Blueprint Genetics
Classification: Uncertain significance. Last evaluated: 2024-07-30. Review status: criteria provided, single submitter. Criteria: ACMG Guidelines, 2015. Collection method: clinical testing. Allele origin: germline.

Labcorp Genetics (formerly Invitae), Labcorp
Classification: Uncertain significance for Peroxisome biogenesis disorder 7A (Zellweger); Peroxisome biogenesis disorder 7B. Last evaluated: 2022-09-24. Review status: criteria provided, single submitter. Criteria: Invitae Variant Classification Sherloc (09022015). Collection method: clinical testing. Allele origin: germline.
Comment: This sequence change replaces arginine, which is basic and polar, with tryptophan, which is neutral and slightly polar, at codon 166 of the PEX26 protein (p.Arg166Trp). This variant is present in population databases (rs369695924, gnomAD 0.01%). This variant has not been reported in the literature in individuals affected with PEX26-related conditions. ClinVar contains an entry for this variant (Variation ID: 501434). Advanced modeling of protein sequence and biophysical properties (such as structural, functional, and spatial information, amino acid conservation, physicochemical variation, residue mobility, and thermodynamic stability) performed at Invitae indicates that this missense variant is expected to disrupt PEX26 protein function. Algorithms developed to predict the effect of sequence changes on RNA splicing suggest that this variant may create or strengthen a splice site. In summary, the available evidence is currently insufficient to determine the role of this variant in disease. Therefore, it has been classified as a Variant of Uncertain Significance.

Eurofins Ntd Llc (ga)
Classification: Uncertain significance. Last evaluated: 2017-04-11. Review status: criteria provided, single submitter. Criteria: EGL Classification Definitions 2015. Collection method: clinical testing. Allele origin: germline. Observed: 2 variant alleles, 2 heterozygotes.